The following is an entry in ClinVar:

NM_000173.7(GP1BA):c.774C>A (p.Asn258Lys)

Gene: GP1BA (glycoprotein Ib platelet subunit alpha; plus strand). Cytogenetic location: 17p13.2.
Variant type: single nucleotide variant.
Coding change: c.774C>A on transcript NM_000173.7 (MANE Select); coding-DNA position 774, C replaced by A.
Protein change: p.Asn258Lys; replaces asparagine 258 with lysine.
Molecular consequence: missense variant.
Genome position (GRCh38, 1-based): chr17:4,933,378, C>A. VCF-style: chr17-4933378-C-A. GRCh37 (hg19) VCF-style: chr17-4836673-C-A.
Other names: short protein forms N258K.
Identifiers: ClinVar variation 4985586 (VCV004985586.1).

ClinVar aggregate classification (germline): Uncertain significance (1 of 4 stars; one submission).

Conditions:
GP1BA-related disorder. Also called: GP1BA-related condition.

Submission:

PreventionGenetics, part of Exact Sciences
Classification: Uncertain significance for GP1BA-related condition. Last evaluated: 2026-04-09. Review status: criteria provided, single submitter. Criteria: ACMG Guidelines, 2015. Collection method: clinical testing. Allele origin: germline.
Comment: The GP1BA c.774C>A variant is predicted to result in the amino acid substitution p.Asn258Lys. To our knowledge, this variant has not been reported in the literature or in a large population database (gnomAD), indicating this variant is rare. At this time, the clinical significance of this variant is uncertain due to the absence of conclusive functional and genetic evidence.